The following is an entry in ClinVar:

ClinVar aggregate classification (germline): Benign/Likely benign. Review status: criteria provided, multiple submitters, no conflicts (2 of 4 stars). 2 submissions from 2 submitters: Benign (1); Likely benign (1). Last evaluated 2026-01-27.

Conditions:
Autosomal dominant pseudohypoaldosteronism type 1. Also called: Pseudohypoaldosteronism, Type I, Autosomal Dominant; Pseudohypoaldosteronism, Type I, Dominant; PHA I, AUTOSOMAL DOMINANT. Identifiers: Orphanet 171871, Orphanet 756, MedGen C1449842, MONDO:0008329, OMIM 177735.

Allele frequency attached by ClinVar (database versions not stated): gnomAD exomes 0.00107 and 0.00297; ESP Exome Variant Server 0.00215; ExAC 0.00287; gnomAD 0.00327 and 0.00342; TOPMed 0.00368; 1000 Genomes Project 30x 0.00874; 1000 Genomes Project 0.00899.
gnomAD v4.1: 2,144 of 1,614,142 alleles (0.13%); highest among the groups gnomAD compares: East Asian, 2.7%; 27 homozygotes.

Submissions (7):

Labcorp Genetics (formerly Invitae), Labcorp
Classification: Benign. Last evaluated: 2026-01-27. Review status: criteria provided, single submitter. Criteria: Invitae Variant Classification Sherloc (09022015). Collection method: clinical testing. Allele origin: germline.

Illumina Laboratory Services, Illumina
Classification: Likely benign for Autosomal dominant pseudohypoaldosteronism type 1. Last evaluated: 2017-04-27. Review status: criteria provided, single submitter. Criteria: ICSL Variant Classification Criteria 13 December 2019. Collection method: clinical testing. Allele origin: germline.
Comment: This variant was observed as part of a predisposition screen in an ostensibly healthy population. A literature search was performed for the gene, cDNA change, and amino acid change (where applicable). No publications were found based on this search. Allele frequency data from public databases allowed determination this variant is unlikely to cause disease. Therefore, this variant is classified as likely benign.

Dr. Peter K. Rogan Lab, Western University
No classification provided (evidence only). Condition: Cervical cancer. Review status: no classification provided. Collection method: in vitro. Allele origin: not applicable. Functional consequence: retained intron. Not counted in ClinVar's aggregate classification.

Dr. Peter K. Rogan Lab, Western University
No classification provided (evidence only). Condition: Hepatocellular carcinoma. Review status: no classification provided. Collection method: in vitro. Allele origin: not applicable. Functional consequence: retained intron. Not counted in ClinVar's aggregate classification.

Dr. Peter K. Rogan Lab, Western University
No classification provided (evidence only). Condition: Gastric cancer. Review status: no classification provided. Collection method: in vitro. Allele origin: not applicable. Functional consequence: retained intron. Not counted in ClinVar's aggregate classification.

Dr. Peter K. Rogan Lab, Western University
No classification provided (evidence only). Condition: Gastric cancer. Review status: no classification provided. Collection method: in vitro. Allele origin: not applicable. Functional consequence: retained intron. Not counted in ClinVar's aggregate classification.

Dr. Peter K. Rogan Lab, Western University
No classification provided (evidence only). Condition: Chronic lymphocytic leukemia/small lymphocytic lymphoma. Review status: no classification provided. Collection method: in vitro. Allele origin: not applicable. Functional consequence: retained intron. Not counted in ClinVar's aggregate classification.

NM_000901.5(NR3C2):c.1661A>G (p.Asn554Ser)

Gene: NR3C2 (nuclear receptor subfamily 3 group C member 2; minus strand). Cytogenetic location: 4q31.23.
Variant type: single nucleotide variant.
Coding change: c.1661A>G on transcript NM_000901.5 (MANE Select); coding-DNA position 1661, A replaced by G.
Protein change: p.Asn554Ser; replaces asparagine 554 with serine.
Molecular consequence: missense variant. On other transcripts: non-coding transcript variant (1).
Genome position (GRCh38, 1-based): chr4:148,435,200, T>C on the plus strand (A>G on the coding strand, the complement: NR3C2 is on the minus strand). VCF-style: chr4-148435200-T-C. GRCh37 (hg19) VCF-style: chr4-149356352-T-C.
Other names: c.1661A>G, p.Asn554Ser (NM_001166104.2, NM_001354819.1); short protein forms N554S.
Identifiers: ClinVar variation 347730 (VCV000347730.14), dbSNP rs5527, ClinGen allele CA3100269.